The following is an entry in ClinVar:

ClinVar aggregate classification (germline): Uncertain significance. Review status: criteria provided, multiple submitters, no conflicts (2 of 4 stars). 2 submissions from 2 submitters: Uncertain significance (2). Last evaluated 2024-12-30.

Conditions:
Hereditary cancer-predisposing syndrome. Also called: Tumor predisposition; Hereditary neoplastic syndrome; Hereditary Cancer Syndrome; Neoplastic Syndromes, Hereditary. Identifiers: Orphanet 140162, MedGen C0027672, MeSH D009386, MONDO:0015356.
EGFR-related lung cancer (EGFR). Identifiers: MedGen CN130014.

Submissions (2):

Ambry Genetics
Classification: Uncertain significance for Hereditary cancer-predisposing syndrome. Last evaluated: 2024-12-30. Review status: criteria provided, single submitter. Criteria: Ambry Variant Classification Scheme 2023. Collection method: clinical testing. Allele origin: germline.
Comment: The c.3226_3227delGCinsCT variant, located in coding exon 27 of the EGFR gene, results from an in-frame deletion of GC and insertion of CT at nucleotide positions 3226 to 3227. This results in the substitution of the alanine residue for a leucine residue at codon 1076, an amino acid with similar properties. This amino acid position is not well conserved in available vertebrate species. Based on the available evidence, the clinical significance of this variant remains unclear.

Labcorp Genetics (formerly Invitae), Labcorp
Classification: Uncertain significance for EGFR-related lung cancer. Last evaluated: 2024-10-10. Review status: criteria provided, single submitter. Criteria: Invitae Variant Classification Sherloc (09022015). Collection method: clinical testing. Allele origin: germline.
Comment: This sequence change replaces alanine, which is neutral and non-polar, with leucine, which is neutral and non-polar, at codon 1076 of the EGFR protein (p.Ala1076Leu). This variant is present in population databases (no rsID available, gnomAD 0.0007%). This variant has not been reported in the literature in individuals affected with EGFR-related conditions. ClinVar contains an entry for this variant (Variation ID: 1052543). An algorithm developed to predict the effect of missense changes on protein structure and function (PolyPhen-2) suggests that this variant¬†is likely to be tolerated. In summary, the available evidence is currently insufficient to determine the role of this variant in disease. Therefore, it has been classified as a Variant of Uncertain Significance.

NM_005228.5(EGFR):c.3226_3227delinsCT (p.Ala1076Leu)

Gene: EGFR (epidermal growth factor receptor; plus strand). Cytogenetic location: 7p11.2.
Variant type: Indel.
Coding change: c.3226_3227delinsCT on transcript NM_005228.5 (MANE Select); coding-DNA positions 3226 to 3227, GC replaced by CT.
Protein change: p.Ala1076Leu; replaces alanine 1076 with leucine.
Molecular consequence: missense variant.
Genome position (GRCh38, 1-based): chr7:55,202,580-55,202,581, GC replaced by CT. VCF-style: chr7-55202580-GC-CT. GRCh37 (hg19) VCF-style: chr7-55270273-GC-CT.
Other names: c.3091_3092delinsCT, p.Ala1031Leu (NM_001346897.2, NM_001346899.2); c.3226_3227delinsCT, p.Ala1076Leu (NM_001346898.2); c.3067_3068delinsCT, p.Ala1023Leu (NM_001346900.2); c.2425_2426delinsCT, p.Ala809Leu (NM_001346941.2); c.3226_3227delGCinsCT (NM_005228.3); short protein forms A1023L, A1031L, A1076L, A809L.
Identifiers: ClinVar variation 1052543 (VCV001052543.7), dbSNP rs2128973112, ClinGen allele CA2499218948.
Genomic context (GRCh38, chr7:55,202,580, plus strand): 5'-CAAAGCTGTCCCATCAAGGAAGACAGCTTCTTGCAGCGATACAGCTCAGACCCCACAGGC[GC>CT]CTTGACTGAGGACAGCATAGACGACACCTTCCTCCCAGTGCCTGGTGAGTGGCTTGTCTG-3'
Protein context (NP_005219.2, residues 1066-1086): LQRYSSDPTG[Ala1076Leu]LTEDSIDDTF